The following is an entry in ClinVar:

NM_212482.4(FN1):c.4253A>G (p.Asn1418Ser)

Gene: FN1 (fibronectin 1; minus strand). Cytogenetic location: 2q35.
Variant type: single nucleotide variant.
Coding change: c.4253A>G on transcript NM_212482.4 (MANE Select); coding-DNA position 4253, A replaced by G.
Protein change: p.Asn1418Ser; replaces asparagine 1418 with serine.
Molecular consequence: missense variant.
Genome position (GRCh38, 1-based): chr2:215,388,301, T>C on the plus strand (A>G on the coding strand, the complement: FN1 is on the minus strand). VCF-style: chr2-215388301-T-C. GRCh37 (hg19) VCF-style: chr2-216253024-T-C.
Other names: c.4253A>G, p.Asn1418Ser (NM_001306129.2, NM_001306130.2, NM_001365517.2 and 3 more transcripts); c.3980A>G, p.Asn1327Ser (NM_001306131.2, NM_001306132.2, NM_001365518.2 and 7 more transcripts); short protein forms N1327S, N1418S.
Identifiers: ClinVar variation 2537364 (VCV002537364.4), dbSNP rs781729898, ClinGen allele CA2094472.
Genomic context (GRCh38, chr2:215,388,301, plus strand): 5'-CTCTCATGTTGTTCGTAGACACTGGAGACACTCACTACATATTCTGTACCAGGCAGGAGA[T>C]CTGTAGGGGCAAATGGGGCTTATTTTAAAACTCTGCTCAAAAGCATGAGAAACTAAAGCA-3'
Protein context (NP_997647.2, residues 1408-1428): SPSDNAVVLT[Asn1418Ser]LLPGTEYVVS

ClinVar aggregate classification (germline): Uncertain significance. Review status: criteria provided, multiple submitters, no conflicts (2 of 4 stars). 2 submissions from 2 submitters: Uncertain significance (2). Last evaluated 2025-12-06.

Conditions:
Inborn genetic diseases. Identifiers: MedGen C0950123, MeSH D030342.
Glomerulopathy with fibronectin deposits 2 (GFND2). Identifiers: Orphanet 84090, MedGen C1866075, MONDO:0011165, OMIM 601894.

Allele frequency attached by ClinVar (database versions not stated): gnomAD exomes below 0.00001; ExAC 0.00001.
gnomAD v4.1: 5 of 1,611,146 alleles (0.00031%); highest among the groups gnomAD compares: East Asian, 0.011%; no homozygotes.

Submissions (2):

Dasa
Classification: Uncertain significance for Glomerulopathy with fibronectin deposits 2. Last evaluated: 2025-12-06. Review status: criteria provided, single submitter. Criteria: DASA Assertion Criteria. Collection method: clinical testing. Allele origin: germline.
Comment: NM_212482.4(FN1):c.4253A>G (p.Asn1418Ser) is a missense variant that results in the substitution of asparagine with serine. This variant is rare in population databases. The currently available literature and clinical evidence are not sufficient to establish a definitive association between this variant and the reported condition. Therefore, this variant is classified as a variant of uncertain significance.

Ambry Genetics
Classification: Uncertain significance for Inborn genetic diseases. Last evaluated: 2023-04-17. Review status: criteria provided, single submitter. Criteria: Ambry Variant Classification Scheme 2023. Collection method: clinical testing. Allele origin: germline.